The following is an entry in ClinVar:

ClinVar aggregate classification (germline): Uncertain significance (1 of 4 stars; one submission).

Allele frequency attached by ClinVar (database versions not stated): gnomAD exomes below 0.00001; ExAC 0.00001.
gnomAD v4.1: 6 of 1,610,738 alleles (0.00037%); highest among the groups gnomAD compares: East Asian, 0.0022%; no homozygotes.

Submission:

Labcorp Genetics (formerly Invitae), Labcorp
Classification: Uncertain significance. Last evaluated: 2024-01-29. Review status: criteria provided, single submitter. Criteria: Invitae Variant Classification Sherloc (09022015). Collection method: clinical testing. Allele origin: germline.
Comment: This sequence change replaces leucine, which is neutral and non-polar, with valine, which is neutral and non-polar, at codon 179 of the RARS protein (p.Leu179Val). This variant is present in population databases (rs770649153, gnomAD 0.006%). This variant has not been reported in the literature in individuals affected with RARS-related conditions. ClinVar contains an entry for this variant (Variation ID: 2101734). Advanced modeling of protein sequence and biophysical properties (such as structural, functional, and spatial information, amino acid conservation, physicochemical variation, residue mobility, and thermodynamic stability) performed at Invitae indicates that this missense variant is not expected to disrupt RARS protein function with a negative predictive value of 80%. In summary, the available evidence is currently insufficient to determine the role of this variant in disease. Therefore, it has been classified as a Variant of Uncertain Significance.

NM_002887.4(RARS1):c.535C>G (p.Leu179Val)

Gene: RARS1 (arginyl-tRNA synthetase 1; plus strand). Cytogenetic location: 5q34.
Variant type: single nucleotide variant.
Coding change: c.535C>G on transcript NM_002887.4 (MANE Select); coding-DNA position 535, C replaced by G.
Protein change: p.Leu179Val; replaces leucine 179 with valine.
Molecular consequence: missense variant.
Genome position (GRCh38, 1-based): chr5:168,494,606, C>G. VCF-style: chr5-168494606-C-G. GRCh37 (hg19) VCF-style: chr5-167921611-C-G.
Other names: short protein forms L179V.
Identifiers: ClinVar variation 2101734 (VCV002101734.4), dbSNP rs770649153, ClinGen allele CA3549629.
Genomic context (GRCh38, chr5:168,494,606, plus strand): 5'-TTAGGTTTTATTAATGTCCACTTAAGAAAGGATTTTGTATCAGAACAATTGACCAGTCTT[C>G]TAGTGAATGGAGTTCAACTACCTGCTCTGGGAGAGAATAAAAAGGTATATGTACACTCTT-3'
Protein context (NP_002878.2, residues 169-189): DFVSEQLTSL[Leu179Val]VNGVQLPALG